The following is an entry in ClinVar:

ClinVar aggregate classification (germline): Uncertain significance (1 of 4 stars; one submission).

gnomAD v4.1: 24 of 1,613,984 alleles (0.0015%); highest among the groups gnomAD compares: Non-Finnish European, 0.0019%; no homozygotes.

Submission:

Labcorp Genetics (formerly Invitae), Labcorp
Classification: Uncertain significance. Last evaluated: 2025-05-30. Review status: criteria provided, single submitter. Criteria: Invitae Variant Classification Sherloc (09022015). Collection method: clinical testing. Allele origin: germline.
Comment: This sequence change replaces asparagine, which is neutral and polar, with serine, which is neutral and polar, at codon 383 of the TRIP4 protein (p.Asn383Ser). This variant is present in population databases (rs376249352, gnomAD 0.006%). This variant has not been reported in the literature in individuals affected with TRIP4-related conditions. Invitae Evidence Modeling of protein sequence and biophysical properties (such as structural, functional, and spatial information, amino acid conservation, physicochemical variation, residue mobility, and thermodynamic stability) indicates that this missense variant is not expected to disrupt TRIP4 protein function with a negative predictive value of 80%. In summary, the available evidence is currently insufficient to determine the role of this variant in disease. Therefore, it has been classified as a Variant of Uncertain Significance.

NM_016213.5(TRIP4):c.1148A>G (p.Asn383Ser)

Gene: TRIP4 (thyroid hormone receptor interactor 4; plus strand). Cytogenetic location: 15q22.31.
Variant type: single nucleotide variant.
Coding change: c.1148A>G on transcript NM_016213.5 (MANE Select); coding-DNA position 1148, A replaced by G.
Protein change: p.Asn383Ser; replaces asparagine 383 with serine.
Molecular consequence: missense variant.
Genome position (GRCh38, 1-based): chr15:64,414,189, A>G. VCF-style: chr15-64414189-A-G. GRCh37 (hg19) VCF-style: chr15-64706388-A-G.
Other names: c.458A>G, p.Asn153Ser (NM_001321924.2); short protein forms N383S, N153S.
Identifiers: ClinVar variation 4706149 (VCV004706149.1).
Genomic context (GRCh38, chr15:64,414,189, plus strand): 5'-AGCCACTGACCAAATTGGATAGATCTTCTGAAGAGCCTTTGGGAGTTCTGGTAAATCCCA[A>G]CATGTACCAGTCCCCTCCCCAGGTTAGTGGACCTTTGCTCTAACTGTTAATAAGAAGTTT-3'
Protein context (NP_057297.2, residues 373-393): EEPLGVLVNP[Asn383Ser]MYQSPPQWVD